The following is an entry in ClinVar:

ClinVar aggregate classification (germline): Conflicting classifications of pathogenicity. Review status: criteria provided, conflicting classifications (1 of 4 stars). 7 submissions from 7 submitters: Uncertain significance (2); Likely benign (4). 1 of the submissions does not count toward it. Last evaluated 2025-10-02.

Conditions:
Hereditary cancer-predisposing syndrome. Also called: Hereditary Cancer Syndrome; Hereditary neoplastic syndrome; Neoplastic Syndromes, Hereditary; Tumor predisposition. Identifiers: Orphanet 140162, MedGen C0027672, MeSH D009386, MONDO:0015356.
Hereditary breast ovarian cancer syndrome. Also called: BRCA1- and BRCA2-Associated Hereditary Breast and Ovarian Cancer; Hereditary breast and ovarian cancer syndrome; Hereditary breast and ovarian cancer syndrome (HBOC); Breast and ovarian cancer; Hereditary breast and/or ovarian cancer syndrome; Hereditary breast and ovarian cancer. Identifiers: Orphanet 145, MedGen C0677776, MeSH D061325, MONDO:0003582. Disease mechanism: loss of function.
Breast-ovarian cancer, familial, susceptibility to, 1 (BROVCA1). Also called: BRCA1 Hereditary Breast and Ovarian Cancer; OVARIAN CANCER, SUSCEPTIBILITY TO. Identifiers: Orphanet 145, MedGen C2676676, MONDO:0011450, OMIM 604370. Disease mechanism: loss of function.

Allele frequency attached by ClinVar (database versions not stated): gnomAD exomes below 0.00001 and 0.00001; ExAC 0.00001; gnomAD 0.00001; ESP Exome Variant Server 0.00008; TOPMed 0.00002.
gnomAD v4.1: 5 of 1,610,902 alleles (0.00031%); highest among the groups gnomAD compares: African/African-American, 0.0013%; no homozygotes.

Submissions (8):

Labcorp Genetics (formerly Invitae), Labcorp
Classification: Likely benign for Hereditary breast ovarian cancer syndrome. Last evaluated: 2025-10-02. Review status: criteria provided, single submitter. Criteria: Invitae Variant Classification Sherloc (09022015). Collection method: clinical testing. Allele origin: germline.

Women's Health and Genetics/Laboratory Corporation of America, LabCorp
Classification: Uncertain significance. Last evaluated: 2024-05-29. Review status: criteria provided, single submitter. Criteria: LabCorp Variant Classification Summary - May 2015. Collection method: clinical testing. Allele origin: germline.
Comment: Variant summary: BRCA1 c.5153-3T>C alters a non-conserved nucleotide located close to a canonical splice site and therefore could affect mRNA splicing, leading to a significantly altered protein sequence. Consensus agreement among computation tools predict no significant impact on normal splicing. However, these predictions have yet to be confirmed by functional studies. The variant allele was found at a frequency of 8e-06 in 250880 control chromosomes. The available data on variant occurrences in the general population are insufficient to allow any conclusion about variant significance. To our knowledge, no occurrence of c.5153-3T>C in individuals affected with Hereditary Breast And Ovarian Cancer Syndrome has been reported. At least one publication reports experimental evidence evaluating an impact on protein function (example, Findlay_2018). The most pronounced variant effect results in a functional classification as "intermediate" in homology directed repair (HDR) capacity. The following publication have been ascertained in the context of this evaluation (PMID: 30209399). ClinVar contains an entry for this variant (Variation ID: 91639). Based on the evidence outlined above, the variant was classified as uncertain significance.

Color Diagnostics, LLC DBA Color Health
Classification: Likely benign for Hereditary cancer-predisposing syndrome. Last evaluated: 2022-08-31. Review status: criteria provided, single submitter. Criteria: ACMG Guidelines, 2015. Collection method: clinical testing. Allele origin: germline.

Sema4
Classification: Uncertain significance for Hereditary cancer-predisposing syndrome. Last evaluated: 2021-09-12. Review status: criteria provided, single submitter. Criteria: Sema4 Curation Guidelines. Collection method: curation. Allele origin: germline.
Comment: The BRCA1 c.5153-3T>C variant has not been reported in the literature to our knowledge. This variant was observed in 1/16244 chromosomes in the African/African American population according to the Genome Aggregation Database (PMID: 32461654). This variant has been reported in ClinVar (Variation ID 91639). In silico tools that predict the effect of sequence changes on splicing suggest that this variant does not impact normal splicing. A functional study using saturation genome editing (SGE) assays suggests that the effect of the variant on protein function is inconclusive (PMID 30209399). The overall evidence is insufficient to meet ACMG/AMP criteria for classifying it as benign or pathogenic. In summary, the clinical significance of this variant is currently uncertain.

GeneDx
Classification: Likely benign. Last evaluated: 2020-08-25. Review status: criteria provided, single submitter. Criteria: GeneDx Variant Classification Process June 2021. Collection method: clinical testing. Allele origin: germline. Affected: yes.
Comment: This variant is associated with the following publications: (PMID: 30209399, 31131967)

Ambry Genetics
Classification: Likely benign for Hereditary cancer-predisposing syndrome. Last evaluated: 2020-02-12. Review status: criteria provided, single submitter. Criteria: Ambry Variant Classification Scheme 2023. Collection method: clinical testing. Allele origin: germline.

Sharing Clinical Reports Project (SCRP)
Classification: Uncertain significance for Breast-ovarian cancer, familial 1. Last evaluated: 2009-10-13. Review status: no assertion criteria provided. Collection method: clinical testing. Allele origin: germline. Not counted in ClinVar's aggregate classification.

Brotman Baty Institute, University of Washington
No classification provided (evidence only). Condition: Breast-ovarian cancer, familial 1. Review status: no classification provided. Collection method: in vitro. Allele origin: not applicable. Functional consequence: function_uncertain_variant. Not counted in ClinVar's aggregate classification.
ClinVar note: "not provided" was previously submitted as the classification for the variant. However, the classification appeared to be based only on an observation of functional data so it was converted to no classification on 2025-07-30.

Literature cited by the submitters: PubMed 30209399 (cited by 3 submitters).

NM_007294.4(BRCA1):c.5153-3T>C

Gene: BRCA1 (BRCA1 DNA repair associated; minus strand). Cytogenetic location: 17q21.31.
Variant type: single nucleotide variant.
Coding change: c.5153-3T>C on transcript NM_007294.4 (MANE Select); 3 bases into the intron before coding-DNA position 5153, T replaced by C.
Molecular consequence: intron variant.
Genome position (GRCh38, 1-based): chr17:43,063,376, A>G on the plus strand (T>C on the coding strand, the complement: BRCA1 is on the minus strand). VCF-style: chr17-43063376-A-G. GRCh37 (hg19) VCF-style: chr17-41215393-A-G.
Other names: IVS18-3T>C; c.1700-3T>C (NM_001408458.1, NM_001408461.1, NM_001408464.1 and 7 more transcripts); c.4262-3T>C (NM_001407967.1); c.4772-3T>C (NM_001407959.1); c.4886-3T>C (NM_001407931.1, NM_001407932.1, NM_001407928.1 and 4 more transcripts); c.5009-3T>C (NM_001407747.1, NM_001407745.1, NM_001407737.1 and 21 more transcripts); c.4769-3T>C (NM_001407962.1, NM_001407960.1); c.1340-3T>C (NM_001408512.1); and 73 more.
Identifiers: ClinVar variation 91639 (VCV000091639.32), dbSNP rs375639469, ClinGen allele CA003302.